The following is an entry in ClinVar:

ClinVar aggregate classification (germline): Uncertain significance (1 of 4 stars; one submission).

Submission:

Labcorp Genetics (formerly Invitae), Labcorp
Classification: Uncertain significance. Last evaluated: 2024-04-15. Review status: criteria provided, single submitter. Criteria: Invitae Variant Classification Sherloc (09022015). Collection method: clinical testing. Allele origin: germline.
Comment: This sequence change creates a premature translational stop signal (p.Leu265*) in the XRCC2 gene. While this is not anticipated to result in nonsense mediated decay, it is expected to disrupt the last 16 amino acid(s) of the XRCC2 protein. This variant is not present in population databases (gnomAD no frequency). This variant has not been reported in the literature in individuals affected with XRCC2-related conditions. ClinVar contains an entry for this variant (Variation ID: 948424). In summary, the available evidence is currently insufficient to determine the role of this variant in disease. Therefore, it has been classified as a Variant of Uncertain Significance.

NM_005431.2(XRCC2):c.794del (p.Ser264_Leu265insTer)

Gene: XRCC2 (X-ray repair cross complementing 2; minus strand). Cytogenetic location: 7q36.1.
Variant type: Deletion.
Coding change: c.794del on transcript NM_005431.2 (MANE Select); coding-DNA position 794, one base deleted (T; older notation c.794delT).
Protein change: p.Ser264_Leu265insTer.
Molecular consequence: nonsense.
Genome position (GRCh38, 1-based): chr7:152,648,691, A deleted on the plus strand (T on the coding strand, the reverse complement: XRCC2 is on the minus strand); the first of 3 consecutive A bases (chr7:152,648,691-152,648,693); deleting any one gives the same sequence. VCF-style (leftmost placement, unchanged base first): chr7-152648690-TA-T. GRCh37 (hg19) VCF-style: chr7-152345775-TA-T.
Identifiers: ClinVar variation 948424 (VCV000948424.7), dbSNP rs2098027110, ClinGen allele CA1139660349.